The following is an entry in ClinVar:

NC_000015.9:g.(?_28211816)_(28235813_?)dup

Gene: OCA2 (OCA2 melanosomal transmembrane protein; minus strand). Cytogenetic location: 15q13.1.
Variant type: Duplication.
Identifiers: ClinVar variation 3243854 (VCV003243854.1).

ClinVar aggregate classification (germline): Likely pathogenic (1 of 4 stars; one submission).

Submission:

Labcorp Genetics (formerly Invitae), Labcorp
Classification: Likely pathogenic. Last evaluated: 2023-12-26. Review status: criteria provided, single submitter. Criteria: Invitae Variant Classification Sherloc (09022015). Collection method: clinical testing. Allele origin: unknown.
Comment: This variant results in a copy number gain of the genomic region encompassing exon(s) 10-15 of the OCA2 gene. While the exact position of this variant cannot be determined from the data, sub-genic copy number gains are generally in tandem (PMID: 25640679). This variant is predicted to be out-of-frame, and may result in an absent or disrupted protein product. Loss-of-function variants in OCA2 are known to be pathogenic (PMID: 19865097, 21541274). A similar copy number variant has been observed in individual(s) with oculocutaneous albinism (Invitae). In summary, the currently available evidence indicates that the variant is pathogenic, but additional data are needed to prove that conclusively. Therefore, this variant has been classified as Likely Pathogenic.

Literature cited by the submitters: PubMed 25640679; PubMed 19865097; PubMed 21541274.